The following is an entry in ClinVar:

ClinVar aggregate classification (germline): Uncertain significance (1 of 4 stars; one submission).

Allele frequency attached by ClinVar (database versions not stated): gnomAD exomes below 0.00001; TOPMed 0.00002.
gnomAD v4.1: 3 of 1,613,992 alleles (0.00019%); highest among the groups gnomAD compares: South Asian, 0.0011%; no homozygotes.

Submission:

Labcorp Genetics (formerly Invitae), Labcorp
Classification: Uncertain significance. Last evaluated: 2024-10-23. Review status: criteria provided, single submitter. Criteria: Invitae Variant Classification Sherloc (09022015). Collection method: clinical testing. Allele origin: germline.
Comment: This sequence change replaces phenylalanine, which is neutral and non-polar, with serine, which is neutral and polar, at codon 349 of the LRP2 protein (p.Phe349Ser). This variant is present in population databases (no rsID available, gnomAD 0.002%). This variant has not been reported in the literature in individuals affected with LRP2-related conditions. ClinVar contains an entry for this variant (Variation ID: 1934101). Invitae Evidence Modeling of protein sequence and biophysical properties (such as structural, functional, and spatial information, amino acid conservation, physicochemical variation, residue mobility, and thermodynamic stability) indicates that this missense variant is expected to disrupt LRP2 protein function with a positive predictive value of 95%. In summary, the available evidence is currently insufficient to determine the role of this variant in disease. Therefore, it has been classified as a Variant of Uncertain Significance.

NM_004525.3(LRP2):c.1046T>C (p.Phe349Ser)

Gene: LRP2 (LDL receptor related protein 2; minus strand). Cytogenetic location: 2q31.1.
Variant type: single nucleotide variant.
Coding change: c.1046T>C on transcript NM_004525.3 (MANE Select); coding-DNA position 1046, T replaced by C.
Protein change: p.Phe349Ser; replaces phenylalanine 349 with serine.
Molecular consequence: missense variant.
Genome position (GRCh38, 1-based): chr2:169,282,998, A>G on the plus strand (T>C on the coding strand, the complement: LRP2 is on the minus strand). VCF-style: chr2-169282998-A-G. GRCh37 (hg19) VCF-style: chr2-170139508-A-G.
Other names: short protein forms F349S.
Identifiers: ClinVar variation 1934101 (VCV001934101.4), dbSNP rs949765390, ClinGen allele CA59932906.